The following is an entry in ClinVar:

ClinVar aggregate classification (germline): Benign. Review status: criteria provided, multiple submitters, no conflicts (2 of 4 stars). 2 submissions from 2 submitters: Benign (2). Last evaluated 2024-07-31.

Allele frequency attached by ClinVar (database versions not stated): TOPMed 0.89419; gnomAD 0.90129 and 0.90334; 1000 Genomes Project 0.90974; 1000 Genomes Project 30x 0.91006; gnomAD exomes 0.91272.
gnomAD v4.1: 915,527 of 1,004,690 alleles (91%); highest among the groups gnomAD compares: East Asian, 97%; 417,651 homozygotes.

Submissions (2):

Unidad de Genómica Garrahan, Hospital de Pediatría Garrahan
Classification: Benign. Last evaluated: 2024-07-31. Review status: criteria provided, single submitter. Criteria: ACMG Guidelines, 2015. Collection method: clinical testing. Allele origin: germline. Affected: no. Observed: 53 variant alleles.
Comment: This variant is classified as Benign based on local population frequency. This variant was detected in 57% of patients studied in a panel designed for Epileptic and Developmental Encephalopathy, Progressive Myoclonus Epilepsy and Abnormal Movements and Neurodegeneration with brain iron accumulation. Number of patients: 53. Only high quality variants are reported.

GeneDx
Classification: Benign. Last evaluated: 2019-08-06. Review status: criteria provided, single submitter. Criteria: GeneDx Variant Classification Process June 2021. Collection method: clinical testing. Allele origin: germline. Affected: yes.

NM_006567.5(FARS2):c.1065+81C>T

Gene: FARS2 (phenylalanyl-tRNA synthetase 2, mitochondrial; plus strand). Cytogenetic location: 6p25.1.
Variant type: single nucleotide variant.
Coding change: c.1065+81C>T on transcript NM_006567.5 (MANE Select); 81 bases into the intron after coding-DNA position 1065, C replaced by T.
Molecular consequence: intron variant.
Genome position (GRCh38, 1-based): chr6:5,545,421, C>T. VCF-style: chr6-5545421-C-T. GRCh37 (hg19) VCF-style: chr6-5545654-C-T.
Other names: c.1065+81C>T (NM_001374878.1, NM_001318872.2, NM_001374877.1 and 4 more transcripts); c.933+81C>T (NM_001375258.1); c.369+81C>T (NM_001375260.1, NM_001375259.1).
Identifiers: ClinVar variation 1240596 (VCV001240596.4), dbSNP rs7749599, ClinGen allele CA12364704.